The following is an entry in ClinVar:

ClinVar aggregate classification (germline): Pathogenic. Review status: criteria provided, multiple submitters, no conflicts (2 of 4 stars). 6 submissions from 6 submitters: Pathogenic (6). Last evaluated 2026-06-03.

Conditions:
LCA5-related disorder. Also called: LCA5-related condition.
Leber congenital amaurosis (LCA). Also called: Leber's amaurosis. Identifiers: Orphanet 65, MedGen C0339527, MeSH D057130, MONDO:0018998.
Leber congenital amaurosis 5 (LCA5). Also called: Amaurosis congenita of Leber, type 5. Identifiers: Orphanet 65, MedGen C1858301, MONDO:0011473, OMIM 604537.

Allele frequency attached by ClinVar (database versions not stated): gnomAD exomes below 0.00001 and 0.00001.
gnomAD v4.1: 4 of 1,613,564 alleles (0.00025%); highest among the groups gnomAD compares: East Asian, 0.0089%; no homozygotes.

Submissions (6):

Women's Health and Genetics/Laboratory Corporation of America, LabCorp
Classification: Pathogenic for Leber congenital amaurosis. Last evaluated: 2026-06-03. Review status: criteria provided, single submitter. Criteria: LabCorp Variant Classification Summary - May 2015. Collection method: clinical testing. Allele origin: germline.
Comment: Variant summary: LCA5 c.795T>G (p.Tyr265X) results in a premature termination codon, predicted to cause a truncation of the encoded protein or absence of the protein due to nonsense mediated decay, which are commonly known mechanisms for disease. The variant allele was found at a frequency of 8e-06 in 250960 control chromosomes. c.795T>G has been observed in individuals affected with Leber congenital amaurosis (e.g. Chen_2013). These data indicate that the variant is likely to be associated with disease. The following publication has been ascertained in the context of this evaluation (PMID: 23661368). ClinVar contains an entry for this variant (Variation ID: 938300). Based on the evidence outlined above, the variant was classified as pathogenic.

Natera, Inc.
Classification: Pathogenic for Leber congenital amaurosis type 5. Last evaluated: 2025-10-27. Review status: criteria provided, single submitter. Criteria: Natera Variant Classification Schema (03/2026). Collection method: clinical testing. Allele origin: germline.
Comment: The c.795T>G variant in LCA5 is a nonsense variant predicted to introduce a stop codon at amino acid 265. This variant is expected to result in nonsense mediated decay, truncation, or a dysfunctional protein product. This variant is rare in the general population with a frequency below the threshold expected for the associated phenotype(s). This variant has been observed in one or more individuals affected with the associated recessive disease, as either homozygous or compound heterozygous with a second variant (PMID: 23661368). Additionally, this variant has been observed to segregate in affected family members (PMID: 23661368). Given the available evidence, this variant is classified as Pathogenic.

PreventionGenetics, part of Exact Sciences
Classification: Pathogenic for LCA5-related condition. Last evaluated: 2025-06-28. Review status: criteria provided, single submitter. Criteria: ACMG Guidelines, 2015. Collection method: clinical testing. Allele origin: germline.
Comment: The LCA5 c.795T>G variant is predicted to result in premature protein termination (p.Tyr265*). This variant has been reported in the homozygous state in individuals with Leber congenital amaurosis (see for example: Chen et al. 2013. PubMed ID: 23661368; Table 3, Li et al. 2023. PubMed ID: 36729443; Zhu et al. 2021. PubMed ID: 33970760 ). This variant is reported in 0.011% of alleles in individuals of East Asian descent in gnomAD. Nonsense variants in LCA5 are expected to be pathogenic. This variant is interpreted as pathogenic.

Labcorp Genetics (formerly Invitae), Labcorp
Classification: Pathogenic. Last evaluated: 2023-10-09. Review status: criteria provided, single submitter. Criteria: Invitae Variant Classification Sherloc (09022015). Collection method: clinical testing. Allele origin: germline.
Comment: This sequence change creates a premature translational stop signal (p.Tyr265*) in the LCA5 gene. It is expected to result in an absent or disrupted protein product. Loss-of-function variants in LCA5 are known to be pathogenic (PMID: 17546029, 23946133). This variant is present in population databases (no rsID available, gnomAD 0.01%). This premature translational stop signal has been observed in individual(s) with Leber congenital amaurosis (PMID: 23661368, 23946133). ClinVar contains an entry for this variant (Variation ID: 938300). For these reasons, this variant has been classified as Pathogenic.

Blueprint Genetics
Classification: Pathogenic for LCA5-related disorders. Last evaluated: 2022-09-27. Review status: criteria provided, single submitter. Criteria: ACMG Guidelines, 2015. Collection method: clinical testing. Allele origin: germline. Affected: yes. Observed: 2 variant alleles.

Fulgent Genetics
Classification: Pathogenic for Leber congenital amaurosis 5. Last evaluated: 2022-02-25. Review status: criteria provided, single submitter. Criteria: ACMG Guidelines, 2015. Collection method: clinical testing. Allele origin: unknown.

Literature cited by the submitters: PubMed 23661368 (cited by 3 submitters); PubMed 17546029 (cited by Labcorp Genetics (formerly Invitae), Labcorp); PubMed 23946133 (cited by Labcorp Genetics (formerly Invitae), Labcorp).

NM_001122769.3(LCA5):c.795T>G (p.Tyr265Ter)

Gene: LCA5 (lebercilin LCA5; minus strand). Cytogenetic location: 6q14.1.
Variant type: single nucleotide variant.
Coding change: c.795T>G on transcript NM_001122769.3 (MANE Select); coding-DNA position 795, T replaced by G.
Protein change: p.Tyr265Ter; replaces tyrosine 265 with a stop codon.
Molecular consequence: nonsense.
Genome position (GRCh38, 1-based): chr6:79,493,676, A>C on the plus strand (T>G on the coding strand, the complement: LCA5 is on the minus strand). VCF-style: chr6-79493676-A-C. GRCh37 (hg19) VCF-style: chr6-80203393-A-C.
Other names: c.795T>G, p.Tyr265Ter (NM_181714.4); short protein forms Y265*.
Identifiers: ClinVar variation 938300 (VCV000938300.17), dbSNP rs1453987164, ClinGen allele CA364645331.